The following is an entry in ClinVar:

ClinVar aggregate classification (germline): Uncertain significance (1 of 4 stars; one submission).

Allele frequency attached by ClinVar (database versions not stated): ESP Exome Variant Server 0.00008; ExAC 0.00012; TOPMed 0.00015; gnomAD 0.00018.
gnomAD v4.1: 68 of 1,613,922 alleles (0.0042%); highest among the groups gnomAD compares: East Asian, 0.056%; no homozygotes.

Submission:

Labcorp Genetics (formerly Invitae), Labcorp
Classification: Uncertain significance. Last evaluated: 2022-10-24. Review status: criteria provided, single submitter. Criteria: Invitae Variant Classification Sherloc (09022015). Collection method: clinical testing. Allele origin: germline.
Comment: This sequence change replaces leucine, which is neutral and non-polar, with phenylalanine, which is neutral and non-polar, at codon 133 of the ANO6 protein (p.Leu133Phe). This variant is present in population databases (rs373469010, gnomAD 0.09%). This variant has not been reported in the literature in individuals affected with ANO6-related conditions. Algorithms developed to predict the effect of missense changes on protein structure and function are either unavailable or do not agree on the potential impact of this missense change (SIFT: "Deleterious"; PolyPhen-2: "Probably Damaging"; Align-GVGD: "Class C0"). In summary, the available evidence is currently insufficient to determine the role of this variant in disease. Therefore, it has been classified as a Variant of Uncertain Significance.

NM_001025356.3(ANO6):c.399A>T (p.Leu133Phe)

Gene: ANO6 (anoctamin 6; plus strand). Cytogenetic location: 12q12.
Variant type: single nucleotide variant.
Coding change: c.399A>T on transcript NM_001025356.3 (MANE Select); coding-DNA position 399, A replaced by T.
Protein change: p.Leu133Phe; replaces leucine 133 with phenylalanine.
Molecular consequence: missense variant.
Genome position (GRCh38, 1-based): chr12:45,348,081, A>T. VCF-style: chr12-45348081-A-T. GRCh37 (hg19) VCF-style: chr12-45741864-A-T.
Other names: c.345A>T, p.Leu115Phe (NM_001142678.2); c.399A>T, p.Leu133Phe (NM_001142679.2); c.462A>T, p.Leu154Phe (NM_001204803.2); c.366A>T, p.Leu122Phe (NM_001410973.1); short protein forms L133F, L115F, L122F, L154F.
Identifiers: ClinVar variation 2054555 (VCV002054555.1), dbSNP rs373469010, ClinGen allele CA6524994.